The following is an entry in ClinVar:

NM_006206.6(PDGFRA):c.1379C>T (p.Thr460Ile)

Gene: PDGFRA (platelet derived growth factor receptor alpha; plus strand). Cytogenetic location: 4q12.
Variant type: single nucleotide variant.
Coding change: c.1379C>T on transcript NM_006206.6 (MANE Select); coding-DNA position 1379, C replaced by T.
Protein change: p.Thr460Ile; replaces threonine 460 with isoleucine.
Molecular consequence: missense variant.
Genome position (GRCh38, 1-based): chr4:54,273,551, C>T. VCF-style: chr4-54273551-C-T. GRCh37 (hg19) VCF-style: chr4-55139718-C-T.
Other names: c.1379C>T, p.Thr460Ile (NM_001347827.2, NM_001347829.2); c.1454C>T, p.Thr485Ile (NM_001347828.2); c.1418C>T, p.Thr473Ile (NM_001347830.2); short protein forms T460I, T473I, T485I.
Identifiers: ClinVar variation 3705853 (VCV003705853.3).

ClinVar aggregate classification (germline): Uncertain significance. Review status: criteria provided, multiple submitters, no conflicts (2 of 4 stars). 2 submissions from 2 submitters: Uncertain significance (2). Last evaluated 2026-06-09.

Conditions:
Hereditary cancer-predisposing syndrome. Also called: Neoplastic Syndromes, Hereditary; Tumor predisposition; Hereditary Cancer Syndrome; Hereditary neoplastic syndrome. Identifiers: Orphanet 140162, MedGen C0027672, MeSH D009386, MONDO:0015356.
Gastrointestinal stromal tumor. Also called: Gastrointestinal stromal tumor, somatic; Gastrointestinal stroma tumor. Identifiers: Orphanet 44890, MedGen C0238198, MeSH D046152, MONDO:0011719, OMIM 606764, HP:0100723.

Submissions (2):

Ambry Genetics
Classification: Uncertain significance for Hereditary cancer-predisposing syndrome. Last evaluated: 2026-06-09. Review status: criteria provided, single submitter. Criteria: Ambry Variant Classification Scheme 2023. Collection method: clinical testing. Allele origin: germline.
Comment: The p.T460I variant (also known as c.1379C>T), located in coding exon 9 of the PDGFRA gene, results from a C to T substitution at nucleotide position 1379. The threonine at codon 460 is replaced by isoleucine, an amino acid with similar properties. This amino acid position is conserved. In addition, the in silico prediction for this alteration is inconclusive. Based on the available evidence, the clinical significance of this variant remains unclear.

Labcorp Genetics (formerly Invitae), Labcorp
Classification: Uncertain significance for Gastrointestinal stromal tumor. Last evaluated: 2024-11-20. Review status: criteria provided, single submitter. Criteria: Invitae Variant Classification Sherloc (09022015). Collection method: clinical testing. Allele origin: germline.
Comment: This sequence change replaces threonine, which is neutral and polar, with isoleucine, which is neutral and non-polar, at codon 460 of the PDGFRA protein (p.Thr460Ile). This variant is not present in population databases (gnomAD no frequency). This variant has not been reported in the literature in individuals affected with PDGFRA-related conditions. Invitae Evidence Modeling of protein sequence and biophysical properties (such as structural, functional, and spatial information, amino acid conservation, physicochemical variation, residue mobility, and thermodynamic stability) indicates that this missense variant is not expected to disrupt PDGFRA protein function with a negative predictive value of 80%. In summary, the available evidence is currently insufficient to determine the role of this variant in disease. Therefore, it has been classified as a Variant of Uncertain Significance.